The following is an entry in ClinVar:

NM_022552.5(DNMT3A):c.389G>T (p.Arg130Ile)

Gene: DNMT3A (DNA methyltransferase 3 alpha; minus strand). Cytogenetic location: 2p23.3.
Variant type: single nucleotide variant.
Coding change: c.389G>T on transcript NM_022552.5 (MANE Select); coding-DNA position 389, G replaced by T.
Protein change: p.Arg130Ile; replaces arginine 130 with isoleucine.
Molecular consequence: missense variant. On other transcripts: non-coding transcript variant (1).
Genome position (GRCh38, 1-based): chr2:25,282,500, C>A on the plus strand (G>T on the coding strand, the complement: DNMT3A is on the minus strand). VCF-style: chr2-25282500-C-A. GRCh37 (hg19) VCF-style: chr2-25505369-C-A.
Other names: c.389G>T, p.Arg130Ile (NM_001320892.2, NM_175629.2, NM_175630.1); short protein forms R130I.
Identifiers: ClinVar variation 3668784 (VCV003668784.2).

ClinVar aggregate classification (germline): Uncertain significance (1 of 4 stars; one submission).

Conditions:
Tatton-Brown-Rahman overgrowth syndrome. Also called: Tatton-Brown-Rahman syndrome; Tall stature-intellectual disability-facial dysmorphism syndrome. Identifiers: Orphanet 404443, MedGen C4014545, MONDO:0014382, OMIM 615879.

Submission:

Labcorp Genetics (formerly Invitae), Labcorp
Classification: Uncertain significance for Tatton-Brown-Rahman overgrowth syndrome. Last evaluated: 2024-08-11. Review status: criteria provided, single submitter. Criteria: Invitae Variant Classification Sherloc (09022015). Collection method: clinical testing. Allele origin: germline.
Comment: This sequence change replaces arginine, which is basic and polar, with isoleucine, which is neutral and non-polar, at codon 130 of the DNMT3A protein (p.Arg130Ile). This variant is not present in population databases (gnomAD no frequency). This variant has not been reported in the literature in individuals affected with DNMT3A-related conditions. An algorithm developed to predict the effect of missense changes on protein structure and function (PolyPhen-2) suggests that this variant is likely to be tolerated. In summary, the available evidence is currently insufficient to determine the role of this variant in disease. Therefore, it has been classified as a Variant of Uncertain Significance.